The following is an entry in ClinVar:

ClinVar aggregate classification (germline): Uncertain significance (1 of 4 stars; one submission).

Submission:

Labcorp Genetics (formerly Invitae), Labcorp
Classification: Uncertain significance. Last evaluated: 2026-01-18. Review status: criteria provided, single submitter. Criteria: Invitae Variant Classification Sherloc (09022015). Collection method: clinical testing. Allele origin: germline.
Comment: This sequence change replaces threonine, which is neutral and polar, with proline, which is neutral and non-polar, at codon 2052 of the FN1 protein (p.Thr2052Pro). This variant is not present in population databases (gnomAD no frequency). This variant has not been reported in the literature in individuals affected with FN1-related conditions. An algorithm developed to predict the effect of missense changes on protein structure and function (PolyPhen-2) suggests that this variant is likely to be disruptive. In summary, the available evidence is currently insufficient to determine the role of this variant in disease. Therefore, it has been classified as a Variant of Uncertain Significance.

NM_212482.4(FN1):c.6154A>C (p.Thr2052Pro)

Gene: FN1 (fibronectin 1; minus strand). Cytogenetic location: 2q35.
Variant type: single nucleotide variant.
Coding change: c.6154A>C on transcript NM_212482.4 (MANE Select); coding-DNA position 6154, A replaced by C.
Protein change: p.Thr2052Pro; replaces threonine 2052 with proline.
Molecular consequence: missense variant.
Genome position (GRCh38, 1-based): chr2:215,375,217, T>G on the plus strand (A>C on the coding strand, the complement: FN1 is on the minus strand). VCF-style: chr2-215375217-T-G. GRCh37 (hg19) VCF-style: chr2-216239940-T-G.
Other names: c.6154A>C, p.Thr2052Pro (NM_001306129.2); c.5884A>C, p.Thr1962Pro (NM_001306130.2, NM_001365517.2, NM_001365519.2 and 2 more transcripts); c.5611A>C, p.Thr1871Pro (NM_001306131.2, NM_001306132.2, NM_001365523.2 and 2 more transcripts); c.5881A>C, p.Thr1961Pro (NM_001365518.2, NM_001365520.2, NM_001365524.2 and 2 more transcripts); short protein forms T2052P, T1961P, T1871P, T1962P.
Identifiers: ClinVar variation 4735180 (VCV004735180.1).
Genomic context (GRCh38, chr2:215,375,217, plus strand): 5'-GGACTTCATGTGTCCTAGGTAGTAAGAAGGAAAATGACAGCATGGAAGCAGCAATACCAG[T>G]AATAGTAGCCTCTGTGACACCAGGGCGGGGCCGAGGGACCACTTCTCTGGGAGGAGACCC-3'
Protein context (NP_997647.2, residues 2042-2062): PRPGVTEATI[Thr2052Pro]GLEPGTEYTI